The following is an entry in ClinVar:

ClinVar aggregate classification (germline): Uncertain significance (1 of 4 stars; one submission).

Submission:

Women's Health and Genetics/Laboratory Corporation of America, LabCorp
Classification: Uncertain significance. Last evaluated: 2025-02-24. Review status: criteria provided, single submitter. Criteria: LabCorp Variant Classification Summary - May 2015. Collection method: clinical testing. Allele origin: germline.
Comment: Variant summary: SZT2 c.4517C>T (p.Pro1506Leu) results in a non-conservative amino acid change in the encoded protein sequence. Three of five in-silico tools predict a damaging effect of the variant on protein function. The variant was absent in 251002 control chromosomes. The available data on variant occurrences in the general population are insufficient to allow any conclusion about variant significance. To our knowledge, no occurrence of c.4517C>T in individuals affected with Early Infantile Epileptic Encephalopathy 18 and no experimental evidence demonstrating its impact on protein function have been reported. No submitters have cited clinical-significance assessments for this variant to ClinVar. Based on the evidence outlined above, the variant was classified as uncertain significance.

NM_001365999.1(SZT2):c.4688C>T (p.Pro1563Leu)

Gene: SZT2 (SZT2 subunit of KICSTOR complex; plus strand). Cytogenetic location: 1p34.2.
Variant type: single nucleotide variant.
Coding change: c.4688C>T on transcript NM_001365999.1 (MANE Select); coding-DNA position 4688, C replaced by T.
Protein change: p.Pro1563Leu; replaces proline 1563 with leucine.
Molecular consequence: missense variant.
Genome position (GRCh38, 1-based): chr1:43,430,703, C>T. VCF-style: chr1-43430703-C-T. GRCh37 (hg19) VCF-style: chr1-43896374-C-T.
Other names: c.4517C>T, p.Pro1506Leu (NM_015284.4); short protein forms P1506L, P1563L.
Identifiers: ClinVar variation 3768869 (VCV003768869.1).